The following is an entry in ClinVar:

ClinVar aggregate classification (germline): Uncertain significance (1 of 4 stars; one submission).

Submission:

Labcorp Genetics (formerly Invitae), Labcorp
Classification: Uncertain significance. Last evaluated: 2021-02-14. Review status: criteria provided, single submitter. Criteria: Invitae Variant Classification Sherloc (09022015). Collection method: clinical testing. Allele origin: germline.
Comment: This sequence change falls in intron 14 of the SLC9A3 gene. It does not directly change the encoded amino acid sequence of the SLC9A3 protein. It affects a nucleotide within the consensus splice site of the intron. This variant is not present in population databases (ExAC no frequency). This variant has not been reported in the literature in individuals with SLC9A3-related conditions. Nucleotide substitutions within the consensus splice site are a relatively common cause of aberrant splicing (PMID: 17576681, 9536098). Algorithms developed to predict the effect of sequence changes on RNA splicing suggest that this variant is not likely to affect RNA splicing, but this prediction has not been confirmed by published transcriptional studies. In summary, the available evidence is currently insufficient to determine the role of this variant in disease. Therefore, it has been classified as a Variant of Uncertain Significance.

Literature cited by the submitters: PubMed 17576681; PubMed 9536098.

NM_004174.4(SLC9A3):c.2140+4C>A

Genes: SLC9A3 (solute carrier family 9 member A3), SLC9A3-AS1 (SLC9A3 antisense RNA 1; plus strand). Cytogenetic location: 5p15.33.
Variant type: single nucleotide variant.
Coding change: c.2140+4C>A on transcript NM_004174.4 (MANE Select); 4 bases into the intron after coding-DNA position 2140, C replaced by A.
Molecular consequence: intron variant.
Genome position (GRCh38, 1-based): chr5:476,016, G>T on the plus strand (C>A on the coding strand, the complement: SLC9A3 is on the minus strand). VCF-style: chr5-476016-G-T. GRCh37 (hg19) VCF-style: chr5-476131-G-T.
Other names: c.2113+4C>A (NM_001284351.3).
Identifiers: ClinVar variation 1372276 (VCV001372276.6), dbSNP rs754918836, ClinGen allele CA2573139548.
Genomic context (GRCh38, chr5:476,016, plus strand): 5'-GGAGGGCTGGGGCTGGGAGGTGGTGGCTCCCAGTCCCAGCGTTCCTGCAGGGCCCCCAGC[G>T]CACCTTTCTCCTTGATGGTGAAATTCTGCGCAGGGCTCTCCATGGGCAGCTTCCCATTGG-3'